The following is an entry in ClinVar:

ClinVar aggregate classification (germline): Benign/Likely benign. Review status: criteria provided, multiple submitters, no conflicts (2 of 4 stars). 8 submissions from 8 submitters: Benign (6); Likely benign (2). Last evaluated 2024-05-31.

Conditions:
Arthrogryposis, distal, type 1B. Identifiers: Orphanet 1146, MedGen C3280526, MONDO:0013698, OMIM 614335.

Allele frequency attached by ClinVar (database versions not stated): TOPMed 0.00832; 1000 Genomes Project 30x 0.00999; gnomAD exomes 0.00086 and 0.00229; gnomAD 0.00756 and 0.00802; 1000 Genomes Project 0.00938; ExAC 0.00264; ESP Exome Variant Server 0.00800.
gnomAD v4.1: 2,472 of 1,612,084 alleles (0.15%); highest among the groups gnomAD compares: African/African-American, 2.6%; 29 homozygotes.

Submissions (8):

ARUP Laboratories, Molecular Genetics and Genomics, ARUP Laboratories
Classification: Benign. Last evaluated: 2024-05-31. Review status: criteria provided, single submitter. Criteria: ARUP Molecular Germline Variant Investigation Process 2024. Collection method: clinical testing. Allele origin: germline.

Mayo Clinic Laboratories, Mayo Clinic
Classification: Benign. Last evaluated: 2023-01-12. Review status: criteria provided, single submitter. Criteria: ACMG Guidelines, 2015. Collection method: clinical testing. Allele origin: germline. Observed: 4 variant alleles.
Comment: BS1, BS2, BP4, BP7

GeneDx
Classification: Likely benign. Last evaluated: 2020-09-01. Review status: criteria provided, single submitter. Criteria: GeneDx Variant Classification Process June 2021. Collection method: clinical testing. Allele origin: germline. Affected: yes.

Labcorp Genetics (formerly Invitae), Labcorp
Classification: Benign. Last evaluated: 2019-12-31. Review status: criteria provided, single submitter. Criteria: Invitae Variant Classification Sherloc (09022015). Collection method: clinical testing. Allele origin: germline.

Illumina Laboratory Services, Illumina
Classification: Benign for Arthrogryposis, distal, type 1B. Last evaluated: 2018-01-13. Review status: criteria provided, single submitter. Criteria: ICSL Variant Classification Criteria 13 December 2019. Collection method: clinical testing. Allele origin: germline.
Comment: This variant was observed in the ICSL laboratory as part of a predisposition screen in an ostensibly healthy population. It had not been previously curated by ICSL or reported in the Human Gene Mutation Database (HGMD: prior to June 1st, 2018), and was therefore a candidate for classification through an automated scoring system. Utilizing variant allele frequency, disease prevalence and penetrance estimates, and inheritance mode, an automated score was calculated to assess if this variant is too frequent to cause the disease. Based on the score and internal cut-off values, a variant classified as benign is not then subjected to further curation. The score for this variant resulted in a classification of benign for this disease.

Genetic Services Laboratory, University of Chicago
Classification: Benign for AllHighlyPenetrant. Last evaluated: 2013-08-15. Review status: criteria provided, single submitter. Criteria: ACMG Guidelines, 2007. Collection method: clinical testing. Allele origin: germline. Inheritance: Autosomal recessive inheritance.

Breakthrough Genomics
Classification: Likely benign. Review status: criteria provided, single submitter. Criteria: ACMG Guidelines, 2015. Collection method: not provided. Allele origin: germline. Inheritance: Autosomal recessive inheritance. Affected: yes.

PreventionGenetics, part of Exact Sciences
Classification: Benign. Review status: criteria provided, single submitter. Criteria: ACMG Guidelines, 2015. Collection method: clinical testing. Allele origin: germline.

NM_002465.4(MYBPC1):c.2010C>T (p.Tyr670=)

Gene: MYBPC1 (myosin binding protein C1; plus strand). Cytogenetic location: 12q23.2.
Variant type: single nucleotide variant.
Coding change: c.2010C>T on transcript NM_002465.4 (MANE Select); coding-DNA position 2010, C replaced by T.
Protein change: p.Tyr670=; no amino-acid change (tyrosine 670 retained).
Molecular consequence: synonymous variant.
Genome position (GRCh38, 1-based): chr12:101,661,240, C>T. VCF-style: chr12-101661240-C-T. GRCh37 (hg19) VCF-style: chr12-102055018-C-T.
Other names: p.Tyr670=; c.1935C>T, p.Tyr645= (NM_001254718.3, NM_001254719.3, NM_206820.4 and 1 more transcripts); c.1899C>T, p.Tyr633= (NM_001254720.3); c.1878C>T, p.Tyr626= (NM_001254721.3, NM_001404676.1, NM_001404678.1); c.1857C>T, p.Tyr619= (NM_001254722.3, NM_001404680.1); c.1896C>T, p.Tyr632= (NM_001254723.3); c.2010C>T, p.Tyr670= (NM_001404675.1, NM_206819.4); c.1800C>T, p.Tyr600= (NM_001404677.1, NM_001404679.1, NM_001404681.1).
Identifiers: ClinVar variation 129643 (VCV000129643.20), dbSNP rs77045393, ClinGen allele CA153764.